The following is an entry in ClinVar:

ClinVar aggregate classification (germline): Uncertain significance. Review status: criteria provided, multiple submitters, no conflicts (2 of 4 stars). 2 submissions from 2 submitters: Uncertain significance (2). Last evaluated 2025-09-24.

gnomAD v4.1: 4 of 1,614,202 alleles (0.00025%); highest among the groups gnomAD compares: African/African-American, 0.004%; no homozygotes.

Submissions (2):

Labcorp Genetics (formerly Invitae), Labcorp
Classification: Uncertain significance. Last evaluated: 2025-09-24. Review status: criteria provided, single submitter. Criteria: Invitae Variant Classification Sherloc (09022015). Collection method: clinical testing. Allele origin: germline.
Comment: This sequence change replaces serine, which is neutral and polar, with asparagine, which is neutral and polar, at codon 194 of the TWNK protein (p.Ser194Asn). This variant is not present in population databases (gnomAD no frequency). This variant has not been reported in the literature in individuals affected with TWNK-related conditions. ClinVar contains an entry for this variant (Variation ID: 1804823). Invitae Evidence Modeling of protein sequence and biophysical properties (such as structural, functional, and spatial information, amino acid conservation, physicochemical variation, residue mobility, and thermodynamic stability) indicates that this missense variant is not expected to disrupt TWNK protein function with a negative predictive value of 95%. In summary, the available evidence is currently insufficient to determine the role of this variant in disease. Therefore, it has been classified as a Variant of Uncertain Significance.

Women's Health and Genetics/Laboratory Corporation of America, LabCorp
Classification: Uncertain significance. Last evaluated: 2022-11-29. Review status: criteria provided, single submitter. Criteria: LabCorp Variant Classification Summary - May 2015. Collection method: clinical testing. Allele origin: germline.
Comment: Variant summary: C10orf2 c.581G>A (p.Ser194Asn) results in a conservative amino acid change in the encoded protein sequence. Four of four in-silico tools predict a benign effect of the variant on protein function. The variant was absent in 251482 control chromosomes (gnonAD). The available data on variant occurrences in the general population are insufficient to allow any conclusion about variant significance. To our knowledge, no occurrence of c.581G>A in individuals affected with Progressive External Ophthalmoplegia With Mitochondrial DNA Deletions, Autosomal Dominant 3 and no experimental evidence demonstrating its impact on protein function have been reported. No clinical diagnostic laboratories have submitted clinical-significance assessments for this variant to ClinVar after 2014. Based on the evidence outlined above, the variant was classified as uncertain significance.

NM_021830.5(TWNK):c.581G>A (p.Ser194Asn)

Gene: TWNK (twinkle mtDNA helicase; plus strand). Cytogenetic location: 10q24.31.
Variant type: single nucleotide variant.
Coding change: c.581G>A on transcript NM_021830.5 (MANE Select); coding-DNA position 581, G replaced by A.
Protein change: p.Ser194Asn; replaces serine 194 with asparagine.
Molecular consequence: missense variant. On other transcripts: non-coding transcript variant (4), intron variant (3).
Genome position (GRCh38, 1-based): chr10:100,988,791, G>A. VCF-style: chr10-100988791-G-A. GRCh37 (hg19) VCF-style: chr10-102748548-G-A.
Other names: c.581G>A, p.Ser194Asn (NM_001163812.2); c.-119-853G>A (NM_001163814.2, NM_001163813.2); c.-57-915G>A (NM_001368275.1); short protein forms S194N.
Identifiers: ClinVar variation 1804823 (VCV001804823.3), dbSNP rs2493629301, ClinGen allele CA378207726.